The following is an entry in ClinVar:

NM_003072.5(SMARCA4):c.993G>T (p.Gln331His)

Gene: SMARCA4 (SWI/SNF related BAF chromatin remodeling complex subunit ATPase 4; plus strand). Cytogenetic location: 19p13.2.
Variant type: single nucleotide variant.
Coding change: c.993G>T on transcript NM_003072.5 (MANE Select); coding-DNA position 993, G replaced by T.
Protein change: p.Gln331His; replaces glutamine 331 with histidine.
Molecular consequence: missense variant. On other transcripts: non-coding transcript variant (1).
Genome position (GRCh38, 1-based): chr19:10,987,799, G>T. VCF-style: chr19-10987799-G-T. GRCh37 (hg19) VCF-style: chr19-11098475-G-T.
Other names: c.993G>T, p.Gln331His (NM_001128844.3, NM_001128845.2, NM_001128846.2 and 4 more transcripts); short protein forms Q331H.
Identifiers: ClinVar variation 823564 (VCV000823564.12), dbSNP rs1599969549, ClinGen allele CA404058596.

ClinVar aggregate classification (germline): Uncertain significance. Review status: criteria provided, multiple submitters, no conflicts (2 of 4 stars). 2 submissions from 2 submitters: Uncertain significance (2). Last evaluated 2021-01-19.

Conditions:
Rhabdoid tumor predisposition syndrome 2 (RTPS2). Identifiers: Orphanet 231108, Orphanet 69077, MedGen C2750074, MONDO:0013224, OMIM 613325.
Hereditary cancer-predisposing syndrome. Also called: Neoplastic Syndromes, Hereditary; Tumor predisposition; Hereditary neoplastic syndrome; Hereditary Cancer Syndrome. Identifiers: Orphanet 140162, MedGen C0027672, MeSH D009386, MONDO:0015356.

Allele frequency attached by ClinVar (database versions not stated): TOPMed below 0.00001; gnomAD 0.00001.
gnomAD v4.1: 1 of 1,602,824 alleles (0.000062%); highest among the groups gnomAD compares: Non-Finnish European, 0.000085%; no homozygotes.

Submissions (2):

Labcorp Genetics (formerly Invitae), Labcorp
Classification: Uncertain significance for Rhabdoid tumor predisposition syndrome 2. Last evaluated: 2021-01-19. Review status: criteria provided, single submitter. Criteria: Invitae Variant Classification Sherloc (09022015). Collection method: clinical testing. Allele origin: germline.
Comment: This sequence change replaces glutamine with histidine at codon 331 of the SMARCA4 protein (p.Gln331His). The glutamine residue is highly conserved and there is a small physicochemical difference between glutamine and histidine. This variant is not present in population databases (ExAC no frequency). This variant has not been reported in the literature in individuals with SMARCA4-related conditions. ClinVar contains an entry for this variant (Variation ID: 823564). Algorithms developed to predict the effect of missense changes on protein structure and function are either unavailable or do not agree on the potential impact of this missense change (SIFT: "Deleterious"; PolyPhen-2: "Benign"; Align-GVGD: "Class C15"). In summary, the available evidence is currently insufficient to determine the role of this variant in disease. Therefore, it has been classified as a Variant of Uncertain Significance.

Ambry Genetics
Classification: Uncertain significance for Hereditary cancer-predisposing syndrome. Last evaluated: 2018-08-31. Review status: criteria provided, single submitter. Criteria: Ambry Variant Classification Scheme 2023. Collection method: clinical testing. Allele origin: germline.
Comment: The p.Q331H variant (also known as c.993G>T), located in coding exon 5 of the SMARCA4 gene, results from a G to T substitution at nucleotide position 993. The glutamine at codon 331 is replaced by histidine, an amino acid with highly similar properties. This amino acid position is highly conserved in available vertebrate species. In addition, the in silico prediction for this alteration is inconclusive. Since supporting evidence is limited at this time, the clinical significance of this alteration remains unclear.